The following is an entry in ClinVar:

ClinVar aggregate classification (germline): Uncertain significance. Review status: criteria provided, multiple submitters, no conflicts (2 of 4 stars). 2 submissions from 2 submitters: Uncertain significance (2). Last evaluated 2026-05-05.

Conditions:
Familial thoracic aortic aneurysm and aortic dissection (TAAD). Also called: Thoracic aortic aneurysms and dissections. Identifiers: Orphanet 91387, MedGen C4707243, MONDO:0019625.
Ehlers-Danlos syndrome, classic type, 1 (EDSCL1). Also called: EHLERS-DANLOS SYNDROME, GRAVIS TYPE; EHLERS-DANLOS SYNDROME, SEVERE CLASSIC TYPE; Ehlers-Danlos syndrome, type 1; Ehlers-Danlos Syndrome, Classic Type, COL5A1-Related; EDS I. Identifiers: MedGen C0268335, MONDO:0019567, OMIM 130000.

Submissions (2):

Ambry Genetics
Classification: Uncertain significance for Familial thoracic aortic aneurysm and aortic dissection. Last evaluated: 2026-05-05. Review status: criteria provided, single submitter. Criteria: Ambry Variant Classification Scheme 2023. Collection method: clinical testing. Allele origin: germline.

Labcorp Genetics (formerly Invitae), Labcorp
Classification: Uncertain significance for Ehlers-Danlos syndrome, classic type, 1. Last evaluated: 2024-06-20. Review status: criteria provided, single submitter. Criteria: Invitae Variant Classification Sherloc (09022015). Collection method: clinical testing. Allele origin: germline.
Comment: This sequence change replaces arginine, which is basic and polar, with lysine, which is basic and polar, at codon 1308 of the COL5A1 protein (p.Arg1308Lys). This variant is not present in population databases (gnomAD no frequency). This variant has not been reported in the literature in individuals affected with COL5A1-related conditions. Advanced modeling of protein sequence and biophysical properties (such as structural, functional, and spatial information, amino acid conservation, physicochemical variation, residue mobility, and thermodynamic stability) performed at Invitae indicates that this missense variant is not expected to disrupt COL5A1 protein function with a negative predictive value of 95%. In summary, the available evidence is currently insufficient to determine the role of this variant in disease. Therefore, it has been classified as a Variant of Uncertain Significance.

NM_000093.5(COL5A1):c.3923G>A (p.Arg1308Lys)

Gene: COL5A1 (collagen type V alpha 1 chain; plus strand). Cytogenetic location: 9q34.3.
Variant type: single nucleotide variant.
Coding change: c.3923G>A on transcript NM_000093.5 (MANE Select); coding-DNA position 3923, G replaced by A.
Protein change: p.Arg1308Lys; replaces arginine 1308 with lysine.
Molecular consequence: missense variant.
Genome position (GRCh38, 1-based): chr9:134,814,813, G>A. VCF-style: chr9-134814813-G-A. GRCh37 (hg19) VCF-style: chr9-137706659-G-A.
Other names: c.3923G>A, p.Arg1308Lys (NM_001278074.1); c.3923G>A (NM_000093.3); short protein forms R1308K.
Identifiers: ClinVar variation 3647069 (VCV003647069.3).